The following is an entry in ClinVar:

ClinVar aggregate classification (germline): Uncertain significance (1 of 4 stars; one submission).

Conditions:
Ataxia-telangiectasia syndrome (AT). Also called: LOUIS-BAR SYNDROME; Cerebello-oculocutaneous telangiectasia; Immunodeficiency with ataxia telangiectasia; Ataxia telangiectasia (A-T); Ataxia-telangiectasia, complementation group D; AT, COMPLEMENTATION GROUP C. Identifiers: Orphanet 100, MedGen C0004135, MONDO:0008840, OMIM 208900.

Submission:

Labcorp Genetics (formerly Invitae), Labcorp
Classification: Uncertain significance for Ataxia-telangiectasia syndrome. Last evaluated: 2023-08-14. Review status: criteria provided, single submitter. Criteria: Invitae Variant Classification Sherloc (09022015). Collection method: clinical testing. Allele origin: germline.
Comment: In summary, the available evidence is currently insufficient to determine the role of this variant in disease. Therefore, it has been classified as a Variant of Uncertain Significance. This variant is not present in population databases (gnomAD no frequency). This variant, c.7115_7117del, results in the deletion of 1 amino acid(s) of the ATM protein (p.Asp2372del), but otherwise preserves the integrity of the reading frame. Experimental studies and prediction algorithms are not available or were not evaluated, and the functional significance of this variant is currently unknown. This variant has not been reported in the literature in individuals affected with ATM-related conditions.

NM_000051.4(ATM):c.7112ATG[1] (p.Asp2372del)

Genes: ATM (ATM serine/threonine kinase; plus strand), C11orf65 (chromosome 11 open reading frame 65; minus strand). Cytogenetic location: 11q22.3.
Variant type: Microsatellite.
Coding change: c.7112ATG[1] on transcript NM_000051.4 (MANE Select); one copy of the 3-base unit ATG starting at c.7112; the reference has two copies in a row; one copy, 3 bases deleted.
Protein change: p.Asp2372del; deletes aspartic acid 2372.
Molecular consequence: inframe deletion. On other transcripts: intron variant (2).
Genome position (GRCh38, 1-based): chr11:108,329,046-108,329,048, ATG deleted; deleting any 3 consecutive bases within chr11:108,329,043-108,329,048 gives the same sequence; the position shown is the placement nearest the transcript's 3' end. VCF-style (leftmost placement, unchanged base first): chr11-108329042-TATG-T. GRCh37 (hg19) VCF-style: chr11-108199769-TATG-T.
Other names: c.7112ATG[1], p.Asp2372del (NM_001351834.2); c.641-19974_641-19972del (NM_001330368.2); c.*38+6175_*38+6177del (NM_001351110.2); short protein forms D2372del.
Identifiers: ClinVar variation 2752475 (VCV002752475.3), dbSNP rs2547246974, ClinGen allele CA2697556947.